The following is an entry in ClinVar:

ClinVar aggregate classification (germline): Uncertain significance. Review status: criteria provided, multiple submitters, no conflicts (2 of 4 stars). 2 submissions from 2 submitters: Uncertain significance (2). Last evaluated 2024-11-03.

Conditions:
Hereditary cancer-predisposing syndrome. Also called: Neoplastic Syndromes, Hereditary; Hereditary Cancer Syndrome; Tumor predisposition; Hereditary neoplastic syndrome. Identifiers: Orphanet 140162, MedGen C0027672, MeSH D009386, MONDO:0015356.
DICER1-related tumor predisposition. Also called: DICER1 syndrome; DICER1-related pleuropulmonary blastoma cancer predisposition syndrome. Identifiers: Orphanet 284343, MedGen C3839822, MONDO:0100216.

Allele frequency attached by ClinVar (database versions not stated): gnomAD exomes 0.00001.

Submissions (2):

Labcorp Genetics (formerly Invitae), Labcorp
Classification: Uncertain significance for DICER1-related tumor predisposition. Last evaluated: 2024-11-03. Review status: criteria provided, single submitter. Criteria: Invitae Variant Classification Sherloc (09022015). Collection method: clinical testing. Allele origin: germline.
Comment: This sequence change replaces glycine, which is neutral and non-polar, with arginine, which is basic and polar, at codon 323 of the DICER1 protein (p.Gly323Arg). This variant is not present in population databases (gnomAD no frequency). This variant has not been reported in the literature in individuals affected with DICER1-related conditions. ClinVar contains an entry for this variant (Variation ID: 1035711). Invitae Evidence Modeling of protein sequence and biophysical properties (such as structural, functional, and spatial information, amino acid conservation, physicochemical variation, residue mobility, and thermodynamic stability) indicates that this missense variant is not expected to disrupt DICER1 protein function with a negative predictive value of 95%. In summary, the available evidence is currently insufficient to determine the role of this variant in disease. Therefore, it has been classified as a Variant of Uncertain Significance.

Ambry Genetics
Classification: Uncertain significance for Hereditary cancer-predisposing syndrome. Last evaluated: 2023-03-30. Review status: criteria provided, single submitter. Criteria: Ambry Variant Classification Scheme 2023. Collection method: clinical testing. Allele origin: germline.
Comment: The p.G323R variant (also known as c.967G>A), located in coding exon 7 of the DICER1 gene, results from a G to A substitution at nucleotide position 967. The glycine at codon 323 is replaced by arginine, an amino acid with dissimilar properties. This amino acid position is conserved. In addition, this alteration is predicted to be deleterious by in silico analysis. Since supporting evidence is limited at this time, the clinical significance of this alteration remains unclear.

NM_177438.3(DICER1):c.967G>A (p.Gly323Arg)

Gene: DICER1 (dicer 1, ribonuclease III; minus strand). Cytogenetic location: 14q32.13.
Variant type: single nucleotide variant.
Coding change: c.967G>A on transcript NM_177438.3 (MANE Select); coding-DNA position 967, G replaced by A.
Protein change: p.Gly323Arg; replaces glycine 323 with arginine.
Molecular consequence: missense variant.
Genome position (GRCh38, 1-based): chr14:95,124,605, C>T on the plus strand (G>A on the coding strand, the complement: DICER1 is on the minus strand). VCF-style: chr14-95124605-C-T. GRCh37 (hg19) VCF-style: chr14-95590942-C-T.
Other names: c.967G>A (NM_177438.2); c.967G>A, p.Gly323Arg (NM_001195573.1, NM_001271282.3, NM_001291628.2 and 1 more transcripts); short protein forms G323R.
Identifiers: ClinVar variation 1035711 (VCV001035711.9), dbSNP rs1893243547, ClinGen allele CA390887272.